The following is an entry in ClinVar:

ClinVar aggregate classification (germline): Uncertain significance (1 of 4 stars; one submission).

Conditions:
Dystonia 5 (DRD). Also called: DYT-GCH1; DYSTONIA, PROGRESSIVE, WITH DIURNAL VARIATION; DYSTONIA-PARKINSONISM WITH DIURNAL FLUCTUATION; GTP Cyclohydrolase 1-Deficient Dopa-Responsive Dystonia; Dystonia, DOPA-responsive, with or without hyperphenylalaninemia. Identifiers: Orphanet 98808, MedGen C1851920, MONDO:0007495, OMIM 128230.

Submission:

3billion
Classification: Uncertain significance for Dystonia 5. Last evaluated: 2024-08-28. Review status: criteria provided, single submitter. Criteria: ACMG Guidelines, 2015. Collection method: clinical testing. Allele origin: germline. Affected: yes.
Comment: The variant is not observed in the gnomAD v4.0.0 dataset. Predicted Consequence/Location: Missense variant In silico tool predictions suggest damaging effect of the variant on gene or gene product [REVEL: 0.87 (>=0.6, sensitivity 0.68 and specificity 0.92); 3Cnet: 0.99 (>=0.6, sensitivity 0.72 and precision 0.9)]. A different missense change at the same codon (p.Gly83Ala) has been reported to be associated with GCH1-related disorder (PMID: 9778264). However, the evidence of pathogenicity is insufficient at this time. Therefore, this variant is classified as VUS according to the recommendation of ACMG/AMP guideline.

Literature cited by the submitters: PubMed 9778264.

NM_000161.3(GCH1):c.248G>A (p.Gly83Asp)

Gene: GCH1 (GTP cyclohydrolase 1; minus strand). Cytogenetic location: 14q22.2.
Variant type: single nucleotide variant.
Coding change: c.248G>A on transcript NM_000161.3 (MANE Select); coding-DNA position 248, G replaced by A.
Protein change: p.Gly83Asp; replaces glycine 83 with aspartic acid.
Molecular consequence: missense variant.
Genome position (GRCh38, 1-based): chr14:54,902,416, C>T on the plus strand (G>A on the coding strand, the complement: GCH1 is on the minus strand). VCF-style: chr14-54902416-C-T. GRCh37 (hg19) VCF-style: chr14-55369134-C-T.
Other names: c.248G>A, p.Gly83Asp (NM_001024024.2, NM_001024070.2, NM_001024071.2 and 1 more transcripts); short protein forms G83D.
Identifiers: ClinVar variation 4292506 (VCV004292506.1).